The following is an entry in ClinVar:

NM_001290060.2(SEMA3B):c.75C>T (p.Ala25=)

Gene: SEMA3B (semaphorin 3B; plus strand). Cytogenetic location: 3p21.31.
Variant type: single nucleotide variant.
Coding change: c.75C>T on transcript NM_001290060.2 (MANE Select); coding-DNA position 75, C replaced by T.
Protein change: p.Ala25=; no amino-acid change (alanine 25 retained).
Molecular consequence: synonymous variant.
Genome position (GRCh38, 1-based): chr3:50,269,315, C>T. VCF-style: chr3-50269315-C-T. GRCh37 (hg19) VCF-style: chr3-50306747-C-T.
Other names: c.75C>T, p.Ala25= (NM_001005914.3, NM_001290061.1, NM_001435956.1 and 3 more transcripts).
Identifiers: ClinVar variation 4998711 (VCV004998711.1).
Genomic context (GRCh38, chr3:50,269,315, plus strand): 5'-GGCTGCCGCCGTGATCCCGGGCCTGGCCCTGCTCTGGGCAGTGGGGCTGGGGAGTGCCGC[C>T]CCCAGCCCCCCACGCCTTCGGCTCTCCTTCCAAGGTAGGTGCACCTGGCAGGCGGGAGGG-3'
Protein context (NP_001276989.1, residues 15-35): LLWAVGLGSA[Ala25=]PSPPRLRLSF

ClinVar aggregate classification (germline): Likely benign (1 of 4 stars; one submission).

Conditions:
SEMA3B-related disorder. Also called: SEMA3B-related condition.

gnomAD v4.1: 2 of 1,524,828 alleles (0.00013%); highest among the groups gnomAD compares: Non-Finnish European, 0.00018%; no homozygotes.

Submission:

PreventionGenetics, part of Exact Sciences
Classification: Likely benign for SEMA3B-related condition. Last evaluated: 2025-02-13. Review status: criteria provided, single submitter. Criteria: ACMG Guidelines, 2015. Collection method: clinical testing. Allele origin: germline.
Comment: This variant is classified as likely benign based on ACMG/AMP sequence variant interpretation guidelines (Richards et al. 2015 PMID: 25741868, with internal and published modifications).